The following is an entry in ClinVar:

ClinVar aggregate classification (germline): Uncertain significance (1 of 4 stars; one submission).

Conditions:
Hereditary cancer-predisposing syndrome. Also called: Neoplastic Syndromes, Hereditary; Tumor predisposition; Hereditary Cancer Syndrome; Hereditary neoplastic syndrome. Identifiers: Orphanet 140162, MedGen C0027672, MeSH D009386, MONDO:0015356.

Submission:

Ambry Genetics
Classification: Uncertain significance for Hereditary cancer-predisposing syndrome. Last evaluated: 2015-08-21. Review status: criteria provided, single submitter. Criteria: Ambry Variant Classification Scheme 2023. Collection method: clinical testing. Allele origin: germline.
Comment: The c.*4A>G variant is located in the 3' untranslated region (3&rsquo; UTR) of the PALB2 gene. This variant results from an A to G substitution 4 nucleotides downstream of the stop codon. This variant was not reported in population based cohorts in the following databases: Database of Single Nucleotide Polymorphisms (dbSNP), NHLBI Exome Sequencing Project (ESP), and 1000 Genomes Project. In the ESP, this variant was not observed in 6497 samples (12994 alleles) with coverage at this position. To date, this alteration has been detected with an allele frequency of approximately 0.001% (greater than 70000 alleles tested) in our clinical cohort. This nucleotide position is not well conserved in available vertebrate species. Since supporting evidence is limited at this time, the clinical significance of c.*4A>G remains unclear.

NM_024675.4(PALB2):c.*4A>G

Gene: PALB2 (partner and localizer of BRCA2; minus strand). Cytogenetic location: 16p12.2.
Variant type: single nucleotide variant.
Coding change: c.*4A>G on transcript NM_024675.4 (MANE Select); 4 bases downstream of the stop codon, A replaced by G.
Molecular consequence: 3 prime UTR variant.
Genome position (GRCh38, 1-based): chr16:23,603,455, T>C on the plus strand (A>G on the coding strand, the complement: PALB2 is on the minus strand). VCF-style: chr16-23603455-T-C. GRCh37 (hg19) VCF-style: chr16-23614776-T-C.
Identifiers: ClinVar variation 233562 (VCV000233562.5), dbSNP rs876660491, ClinGen allele CA10579909.
Genomic context (GRCh38, chr16:23,603,455, plus strand): 5'-AAACTCCAAAAAATACTAAGAGGCCCAATATATCCAGAAAATTGTGTTTTCACTTTACCC[T>C]AACTTATGAATAGTGGTATACAAATATATTTCCATCTTTTTGTCCAGCCAGCAAATGAGA-3'